The following is an entry in ClinVar:

ClinVar aggregate classification (germline): Uncertain significance (1 of 4 stars; one submission).

Conditions:
Congenital myasthenic syndrome 5. Identifiers: Orphanet 590, MedGen C1864233, MONDO:0011281, OMIM 603034.

gnomAD v4.1: 174 of 1,614,020 alleles (0.011%); highest among the groups gnomAD compares: Non-Finnish European, 0.014%; no homozygotes.

Submission:

Labcorp Genetics (formerly Invitae), Labcorp
Classification: Uncertain significance for Congenital myasthenic syndrome 5. Last evaluated: 2020-11-28. Review status: criteria provided, single submitter. Criteria: Invitae Variant Classification Sherloc (09022015). Collection method: clinical testing. Allele origin: germline.
Comment: This sequence change replaces arginine with proline at codon 45 of the COLQ protein (p.Arg45Pro). The arginine residue is highly conserved and there is a moderate physicochemical difference between arginine and proline. This variant is present in population databases (rs761717418, ExAC 0.002%). This variant has not been reported in the literature in individuals with COLQ-related conditions. Algorithms developed to predict the effect of missense changes on protein structure and function are either unavailable or do not agree on the potential impact of this missense change (SIFT: "Deleterious"; PolyPhen-2: "Probably Damaging"; Align-GVGD: "Class C15"). In summary, the available evidence is currently insufficient to determine the role of this variant in disease. Therefore, it has been classified as a Variant of Uncertain Significance.

NM_005677.4(COLQ):c.134G>C (p.Arg45Pro)

Gene: COLQ (collagen like tail subunit of asymmetric acetylcholinesterase; minus strand). Cytogenetic location: 3p25.1.
Variant type: single nucleotide variant.
Coding change: c.134G>C on transcript NM_005677.4 (MANE Select); coding-DNA position 134, G replaced by C.
Protein change: p.Arg45Pro; replaces arginine 45 with proline.
Molecular consequence: missense variant.
Genome position (GRCh38, 1-based): chr3:15,489,610, C>G on the plus strand (G>C on the coding strand, the complement: COLQ is on the minus strand). VCF-style: chr3-15489610-C-G. GRCh37 (hg19) VCF-style: chr3-15531117-C-G.
Other names: c.104G>C, p.Arg35Pro (NM_080538.2); c.134G>C, p.Arg45Pro (NM_080539.4); short protein forms R45P, R35P.
Identifiers: ClinVar variation 1463636 (VCV001463636.7), dbSNP rs761717418, ClinGen allele CA2276321.
Genomic context (GRCh38, chr3:15,489,610, plus strand): 5'-GGTGGTGGGAACAGTGGTGGTGGAGGAGGCGTCAGCAGGCAGCATGCTTTGTGGCCACCA[C>G]GCTTCTTCTGATCCAGGCTGGGAAGGGCTGTTCAGAGAAAACTGCCGCTCGTTAGCATGT-3'
Protein context (NP_005668.2, residues 35-55): AALPSLDQKK[Arg45Pro]GGHKACCLLT